The following is an entry in ClinVar:

ClinVar aggregate classification (germline): Uncertain significance (1 of 4 stars; one submission).

Conditions:
Early-infantile DEE. Also called: Early infantile epileptic encephalopathy with suppression bursts; Early infantile epileptic encephalopathy; Ohtahara syndrome. Identifiers: Orphanet 1934, MedGen C0393706, MONDO:0800491.

Submission:

Labcorp Genetics (formerly Invitae), Labcorp
Classification: Uncertain significance for Early-infantile DEE. Last evaluated: 2022-07-03. Review status: criteria provided, single submitter. Criteria: Invitae Variant Classification Sherloc (09022015). Collection method: clinical testing. Allele origin: germline.
Comment: This sequence change replaces aspartic acid, which is acidic and polar, with glutamic acid, which is acidic and polar, at codon 1080 of the SCN8A protein (p.Asp1080Glu). This variant is not present in population databases (gnomAD no frequency). This variant has not been reported in the literature in individuals affected with SCN8A-related conditions. Algorithms developed to predict the effect of missense changes on protein structure and function are either unavailable or do not agree on the potential impact of this missense change (SIFT: "Deleterious"; PolyPhen-2: "Probably Damaging"; Align-GVGD: "Class C0"). In summary, the available evidence is currently insufficient to determine the role of this variant in disease. Therefore, it has been classified as a Variant of Uncertain Significance.

NM_001330260.2(SCN8A):c.3240T>A (p.Asp1080Glu)

Gene: SCN8A (sodium voltage-gated channel alpha subunit 8; plus strand). Cytogenetic location: 12q13.13.
Variant type: single nucleotide variant.
Coding change: c.3240T>A on transcript NM_001330260.2 (MANE Select); coding-DNA position 3240, T replaced by A.
Protein change: p.Asp1080Glu; replaces aspartic acid 1080 with glutamic acid.
Molecular consequence: missense variant.
Genome position (GRCh38, 1-based): chr12:51,769,203, T>A. VCF-style: chr12-51769203-T-A. GRCh37 (hg19) VCF-style: chr12-52162987-T-A.
Other names: c.3240T>A, p.Asp1080Glu (NM_001177984.3, NM_001369788.1, NM_014191.4); short protein forms D1080E.
Identifiers: ClinVar variation 1982920 (VCV001982920.4), dbSNP rs2540267018, ClinGen allele CA384893154.